The following is an entry in ClinVar:

ClinVar aggregate classification (germline): Benign/Likely benign. Review status: criteria provided, multiple submitters, no conflicts (2 of 4 stars). 5 submissions from 5 submitters: Benign (2); Likely benign (2). 1 of the submissions does not count toward it. Last evaluated 2026-02-04.

Conditions:
IL6R-related disorder. Also called: IL6R-related condition.

Allele frequency attached by ClinVar (database versions not stated): 1000 Genomes Project 30x 0.00031; 1000 Genomes Project 0.00040; gnomAD 0.00274 and 0.00279; TOPMed 0.00306; gnomAD exomes 0.00348 and 0.00395; ExAC 0.00499.
gnomAD v4.1: 5,866 of 1,528,286 alleles (0.38%); highest among the groups gnomAD compares: Non-Finnish European, 0.41%; 23 homozygotes.

Submissions (5):

Labcorp Genetics (formerly Invitae), Labcorp
Classification: Benign. Last evaluated: 2026-02-04. Review status: criteria provided, single submitter. Criteria: Invitae Variant Classification Sherloc (09022015). Collection method: clinical testing. Allele origin: germline.

CeGaT Center for Human Genetics Tuebingen
Classification: Likely benign. Last evaluated: 2024-12-01. Review status: criteria provided, single submitter. Criteria: CeGaT Center For Human Genetics Tuebingen Variant Classification Criteria Version 2. Collection method: clinical testing. Allele origin: germline. Affected: yes. Observed: 3 variant alleles.
Comment: IL6R: BP4, BP7, BS2

Blueprint Genetics
Classification: Likely benign. Last evaluated: 2024-11-25. Review status: criteria provided, single submitter. Criteria: ACMG Guidelines, 2015. Collection method: clinical testing. Allele origin: germline.

Breakthrough Genomics
Classification: Benign. Review status: criteria provided, single submitter. Criteria: ACMG Guidelines, 2015. Collection method: not provided. Allele origin: germline. Inheritance: Autosomal recessive inheritance. Affected: yes.

PreventionGenetics, part of Exact Sciences
Classification: Likely benign for IL6R-related condition. Last evaluated: 2024-01-23. Review status: no assertion criteria provided. Collection method: clinical testing. Allele origin: germline. Not counted in ClinVar's aggregate classification.
Comment: This variant is classified as likely benign based on ACMG/AMP sequence variant interpretation guidelines (Richards et al. 2015 PMID: 25741868, with internal and published modifications).

NM_000565.4(IL6R):c.51A>G (p.Gly17=)

Genes: IL6R (interleukin 6 receptor; plus strand), IL6R-AS1 (IL6R antisense RNA 1; minus strand). Cytogenetic location: 1q21.3.
Variant type: single nucleotide variant.
Coding change: c.51A>G on transcript NM_000565.4 (MANE Select); coding-DNA position 51, A replaced by G.
Protein change: p.Gly17=; no amino-acid change (glycine 17 retained).
Molecular consequence: synonymous variant.
Genome position (GRCh38, 1-based): chr1:154,405,680, A>G. VCF-style: chr1-154405680-A-G. GRCh37 (hg19) VCF-style: chr1-154378156-A-G.
Other names: c.51A>G, p.Gly17= (NM_001206866.2, NM_001382769.1, NM_001382770.1 and 5 more transcripts); c.51A>G (NM_000565.3).
Identifiers: ClinVar variation 1164781 (VCV001164781.35), dbSNP rs528464156, ClinGen allele CA1128901.